The following is an entry in ClinVar:

ClinVar aggregate classification (germline): Likely benign (0 of 4 stars; one submission).

Conditions:
TECPR2-related disorder. Also called: TECPR2-related condition.

gnomAD v4.1: 1 of 1,614,204 alleles (0.000062%); highest among the groups gnomAD compares: Middle Eastern, 0.016%; no homozygotes.

Submission:

PreventionGenetics, part of Exact Sciences
Classification: Likely benign for TECPR2-related condition. Last evaluated: 2019-03-18. Review status: no assertion criteria provided. Collection method: clinical testing. Allele origin: germline.
Comment: This variant is classified as likely benign based on ACMG/AMP sequence variant interpretation guidelines (Richards et al. 2015 PMID: 25741868, with internal and published modifications).

NM_014844.5(TECPR2):c.81C>T (p.Ile27=)

Gene: TECPR2 (tectonin beta-propeller repeat containing 2; plus strand). Cytogenetic location: 14q32.31.
Variant type: single nucleotide variant.
Coding change: c.81C>T on transcript NM_014844.5 (MANE Select); coding-DNA position 81, C replaced by T.
Protein change: p.Ile27=; no amino-acid change (isoleucine 27 retained).
Molecular consequence: synonymous variant.
Genome position (GRCh38, 1-based): chr14:102,376,802, C>T. VCF-style: chr14-102376802-C-T. GRCh37 (hg19) VCF-style: chr14-102843139-C-T.
Other names: c.81C>T, p.Ile27= (NM_001172631.3).
Identifiers: ClinVar variation 3057668 (VCV003057668.2), dbSNP rs1340120925, ClinGen allele CA488190227.